The following is an entry in ClinVar:

NM_004006.3(DMD):c.2253del (p.Lys752fs)

Gene: DMD (dystrophin; minus strand). Cytogenetic location: Xp21.1.
Variant type: Deletion.
Coding change: c.2253del on transcript NM_004006.3 (MANE Select); coding-DNA position 2253, one base deleted (G; older notation c.2253delG).
Protein change: p.Lys752fs; shifts the reading frame from lysine 752.
Molecular consequence: frameshift variant.
Genome position (GRCh38, 1-based): chrX:32,518,047, C deleted on the plus strand (G on the coding strand, the reverse complement: DMD is on the minus strand); the first of 2 consecutive C bases (chrX:32,518,047-32,518,048); deleting either gives the same sequence. VCF-style (leftmost placement, unchanged base first): chrX-32518046-TC-T. GRCh37 (hg19) VCF-style: chrX-32536163-TC-T.
Other names: c.2229del, p.Lys744fs (NM_000109.4); c.2241del, p.Lys748fs (NM_004009.3); c.1884del, p.Lys629fs (NM_004010.3); short protein forms K744fs, K748fs, K752fs, K629fs.
Identifiers: ClinVar variation 951119 (VCV000951119.8), dbSNP rs2046034052, ClinGen allele CA1139667355.
Genomic context (GRCh38, chrX:32,518,046, plus strand): 5'-TAAAAATTAATGCATAACCTACATTGACTTTTTCTTTTAAGTCTGAGAAGTTGCCTTCCT[TC>T]CGAAAGATTGCAAATTCAGGACTCTGCAACACAGCTTCTGAGCGAGTAATCCAGCTGTGA-3'

ClinVar aggregate classification (germline): Pathogenic (1 of 4 stars; one submission).

Conditions:
Duchenne muscular dystrophy (DMD). Also called: MUSCULAR DYSTROPHY, PSEUDOHYPERTROPHIC PROGRESSIVE, DUCHENNE TYPE; Duchenne Muscular Dystrophy (DMD). Identifiers: Orphanet 98896, MedGen C0013264, MONDO:0010679, OMIM 310200.

Submission:

Labcorp Genetics (formerly Invitae), Labcorp
Classification: Pathogenic for Duchenne muscular dystrophy. Last evaluated: 2019-05-27. Review status: criteria provided, single submitter. Criteria: Invitae Variant Classification Sherloc (09022015). Collection method: clinical testing. Allele origin: germline.
Comment: For these reasons, this variant has been classified as Pathogenic. Loss-of-function variants in DMD are known to be pathogenic (PMID: 16770791, 25007885). This variant has not been reported in the literature in individuals with DMD-related conditions. This variant is not present in population databases (ExAC no frequency). This sequence change creates a premature translational stop signal (p.Lys752Argfs*8) in the DMD gene. It is expected to result in an absent or disrupted protein product.

Literature cited by the submitters: PubMed 16770791; PubMed 25007885.